The following is an entry in ClinVar:

ClinVar aggregate classification (germline): Uncertain significance (1 of 4 stars; one submission).

Submission:

Labcorp Genetics (formerly Invitae), Labcorp
Classification: Uncertain significance. Last evaluated: 2024-06-17. Review status: criteria provided, single submitter. Criteria: Invitae Variant Classification Sherloc (09022015). Collection method: clinical testing. Allele origin: germline.
Comment: This sequence change replaces glycine, which is neutral and non-polar, with glutamic acid, which is acidic and polar, at codon 276 of the ATP6V1A protein (p.Gly276Glu). This variant is not present in population databases (gnomAD no frequency). This variant has not been reported in the literature in individuals affected with ATP6V1A-related conditions. Advanced modeling of protein sequence and biophysical properties (such as structural, functional, and spatial information, amino acid conservation, physicochemical variation, residue mobility, and thermodynamic stability) performed at Invitae indicates that this missense variant is expected to disrupt ATP6V1A protein function with a positive predictive value of 80%. This variant disrupts the p.Gly276 amino acid residue in ATP6V1A. Other variant(s) that disrupt this residue have been determined to be pathogenic (PMID: 35675510). This suggests that this residue is clinically significant, and that variants that disrupt this residue are likely to be disease-causing. In summary, the available evidence is currently insufficient to determine the role of this variant in disease. Therefore, it has been classified as a Variant of Uncertain Significance.

Literature cited by the submitters: PubMed 35675510.

NM_001690.4(ATP6V1A):c.827G>A (p.Gly276Glu)

Gene: ATP6V1A (ATPase H+ transporting V1 subunit A; plus strand). Cytogenetic location: 3q13.31.
Variant type: single nucleotide variant.
Coding change: c.827G>A on transcript NM_001690.4 (MANE Select); coding-DNA position 827, G replaced by A.
Protein change: p.Gly276Glu; replaces glycine 276 with glutamic acid.
Molecular consequence: missense variant.
Genome position (GRCh38, 1-based): chr3:113,788,823, G>A. VCF-style: chr3-113788823-G-A. GRCh37 (hg19) VCF-style: chr3-113507670-G-A.
Other names: short protein forms G276E.
Identifiers: ClinVar variation 3656850 (VCV003656850.2).